The following is an entry in ClinVar:

NM_015046.7(SETX):c.2788A>G (p.Ser930Gly)

Gene: SETX (senataxin; minus strand). Cytogenetic location: 9q34.13.
Variant type: single nucleotide variant.
Coding change: c.2788A>G on transcript NM_015046.7 (MANE Select); coding-DNA position 2788, A replaced by G.
Protein change: p.Ser930Gly; replaces serine 930 with glycine.
Molecular consequence: missense variant.
Genome position (GRCh38, 1-based): chr9:132,328,810, T>C on the plus strand (A>G on the coding strand, the complement: SETX is on the minus strand). VCF-style: chr9-132328810-T-C. GRCh37 (hg19) VCF-style: chr9-135204197-T-C.
Other names: c.2788A>G, p.Ser930Gly (NM_001351527.2, NM_001351528.2); short protein forms S930G.
Identifiers: ClinVar variation 938116 (VCV000938116.13), dbSNP rs770694223, ClinGen allele CA5297530.
Genomic context (GRCh38, chr9:132,328,810, plus strand): 5'-ATTTAGGACTGATGTCAGGGGCCTGTTCTCTTGTCAAGTTAGAATAAATCACACTGGTAC[T>C]ATTACTCATCTCCTCATCTCTTGATTCAGGTACAGTCATAAGATCTTTAAAGGGAGATGA-3'
Protein context (NP_055861.3, residues 920-940): PESRDEEMSN[Ser930Gly]TSVIYSNLTR

ClinVar aggregate classification (germline): Conflicting classifications of pathogenicity. Review status: criteria provided, conflicting classifications (1 of 4 stars). 5 submissions from 4 submitters: Uncertain significance (4); Likely benign (1). Last evaluated 2025-06-20.

Conditions:
Amyotrophic lateral sclerosis type 4 (ALS4). Also called: AMYOTROPHIC LATERAL SCLEROSIS 4, JUVENILE; NEURONOPATHY, DISTAL HEREDITARY MOTOR, WITH PYRAMIDAL FEATURES. Identifiers: Orphanet 357043, MedGen C1865409, MONDO:0011223, OMIM 602433.
Spinocerebellar ataxia, autosomal recessive, with axonal neuropathy 2 (SCAN2). Also called: Ataxia with Oculomotor Apraxia Type 2; ATAXIA-OCULOMOTOR APRAXIA 2; Ataxia-ocular apraxia-2; Ataxia with Oculomotor Apraxia. Identifiers: Orphanet 64753, MedGen C1853761, MONDO:0018996, OMIM 606002.

Allele frequency attached by ClinVar (database versions not stated): TOPMed below 0.00001; ExAC 0.00001; gnomAD 0.00001; gnomAD exomes 0.00002.
gnomAD v4.1: 36 of 1,612,194 alleles (0.0022%); highest among the groups gnomAD compares: Middle Eastern, 0.016%; no homozygotes.

Submissions (5):

Institute of Human Genetics, University of Leipzig Medical Center
Classification: Likely benign for Amyotrophic lateral sclerosis type 4. Last evaluated: 2025-06-20. Review status: criteria provided, single submitter. Criteria: ACMG Guidelines, 2015. Collection method: clinical testing. Allele origin: unknown. Inheritance: Autosomal dominant inheritance. Affected: yes.
Comment: Criteria applied: BS1,BP4

GeneDx
Classification: Uncertain significance. Last evaluated: 2024-07-06. Review status: criteria provided, single submitter. Criteria: GeneDx Variant Classification Process June 2021. Collection method: clinical testing. Allele origin: germline. Affected: yes.
Comment: Not observed at significant frequency in large population cohorts (gnomAD); In silico analysis indicates that this missense variant does not alter protein structure/function; Has not been previously published as pathogenic or benign to our knowledge

Genome-Nilou Lab
Classification: Uncertain significance for Spinocerebellar ataxia, autosomal recessive, with axonal neuropathy 2. Last evaluated: 2023-02-08. Review status: criteria provided, single submitter. Criteria: ACMG Guidelines, 2015. Collection method: clinical testing. Allele origin: germline.

Genome-Nilou Lab
Classification: Uncertain significance for Amyotrophic lateral sclerosis type 4. Last evaluated: 2023-02-08. Review status: criteria provided, single submitter. Criteria: ACMG Guidelines, 2015. Collection method: clinical testing. Allele origin: germline.

Labcorp Genetics (formerly Invitae), Labcorp
Classification: Uncertain significance for Amyotrophic lateral sclerosis type 4; Spinocerebellar ataxia, autosomal recessive, with axonal neuropathy 2. Last evaluated: 2019-09-12. Review status: criteria provided, single submitter. Criteria: Invitae Variant Classification Sherloc (09022015). Collection method: clinical testing. Allele origin: germline.
Comment: In summary, the available evidence is currently insufficient to determine the role of this variant in disease. Therefore, it has been classified as a Variant of Uncertain Significance. Algorithms developed to predict the effect of missense changes on protein structure and function (SIFT, PolyPhen-2, Align-GVGD) all suggest that this variant is likely to be tolerated, but these predictions have not been confirmed by published functional studies and their clinical significance is uncertain. This variant has not been reported in the literature in individuals with SETX-related conditions. This variant is present in population databases (rs770694223, ExAC 0.002%). This sequence change replaces serine with glycine at codon 930 of the SETX protein (p.Ser930Gly). The serine residue is weakly conserved and there is a small physicochemical difference between serine and glycine.